The following is an entry in ClinVar:

ClinVar aggregate classification (germline): Uncertain significance. Review status: criteria provided, multiple submitters, no conflicts (2 of 4 stars). 4 submissions from 4 submitters: Uncertain significance (4). Last evaluated 2024-08-21.

Conditions:
Inborn genetic diseases. Identifiers: MedGen C0950123, MeSH D030342.
Peroxisome biogenesis disorder 12A (Zellweger). Also called: Peroxisome biogenesis disorder 12A. Identifiers: Orphanet 912, MedGen C3554002, MONDO:0013951, OMIM 614886.

gnomAD v4.1: 13 of 1,614,028 alleles (0.00081%); highest among the groups gnomAD compares: Admixed American, 0.013%; no homozygotes.

Submissions (4):

Ambry Genetics
Classification: Uncertain significance for Inborn genetic diseases. Last evaluated: 2024-08-21. Review status: criteria provided, single submitter. Criteria: Ambry Variant Classification Scheme 2023. Collection method: clinical testing. Allele origin: germline.

Mayo Clinic Laboratories, Mayo Clinic
Classification: Uncertain significance. Last evaluated: 2023-10-11. Review status: criteria provided, single submitter. Criteria: ACMG Guidelines, 2015. Collection method: clinical testing. Allele origin: germline. Observed: 1 variant allele.
Comment: BP4, PM2_moderate

Labcorp Genetics (formerly Invitae), Labcorp
Classification: Uncertain significance for Peroxisome biogenesis disorder 12A (Zellweger). Last evaluated: 2022-08-16. Review status: criteria provided, single submitter. Criteria: Invitae Variant Classification Sherloc (09022015). Collection method: clinical testing. Allele origin: germline.
Comment: This sequence change replaces serine, which is neutral and polar, with leucine, which is neutral and non-polar, at codon 286 of the PEX19 protein (p.Ser286Leu). This variant is present in population databases (rs149976198, gnomAD 0.006%). This variant has not been reported in the literature in individuals affected with PEX19-related conditions. ClinVar contains an entry for this variant (Variation ID: 501546). Algorithms developed to predict the effect of missense changes on protein structure and function (SIFT, PolyPhen-2, Align-GVGD) all suggest that this variant is likely to be tolerated. In summary, the available evidence is currently insufficient to determine the role of this variant in disease. Therefore, it has been classified as a Variant of Uncertain Significance.

Eurofins Ntd Llc (ga)
Classification: Uncertain significance. Last evaluated: 2017-04-18. Review status: criteria provided, single submitter. Criteria: EGL Classification Definitions 2015. Collection method: clinical testing. Allele origin: germline. Observed: 1 variant allele, 1 heterozygote.

NM_002857.4(PEX19):c.857C>T (p.Ser286Leu)

Gene: PEX19 (peroxisomal biogenesis factor 19; minus strand). Cytogenetic location: 1q23.2.
Variant type: single nucleotide variant.
Coding change: c.857C>T on transcript NM_002857.4 (MANE Select); coding-DNA position 857, C replaced by T.
Protein change: p.Ser286Leu; replaces serine 286 with leucine.
Molecular consequence: missense variant. On other transcripts: non-coding transcript variant (2), intron variant (1).
Genome position (GRCh38, 1-based): chr1:160,279,594, G>A on the plus strand (C>T on the coding strand, the complement: PEX19 is on the minus strand). VCF-style: chr1-160279594-G-A. GRCh37 (hg19) VCF-style: chr1-160249384-G-A.
Other names: p.Ser286Leu; c.817-12C>T (NM_001193644.1); c.857C>T (NM_002857.3); short protein forms S286L.
Identifiers: ClinVar variation 501546 (VCV000501546.9), dbSNP rs149976198, ClinGen allele CA1197200.